The following is an entry in ClinVar:

NM_030662.4(MAP2K2):c.1046+303del

Gene: MAP2K2 (mitogen-activated protein kinase kinase 2; minus strand). Cytogenetic location: 19p13.3.
Variant type: Deletion.
Coding change: c.1046+303del on transcript NM_030662.4 (MANE Select); 303 bases into the intron after coding-DNA position 1046, one base deleted (T; older notation c.1046+303delT).
Molecular consequence: intron variant.
Genome position (GRCh38, 1-based): chr19:4,095,085, A deleted on the plus strand (T on the coding strand, the reverse complement: MAP2K2 is on the minus strand). VCF-style (leftmost placement, unchanged base first): chr19-4095084-CA-C. GRCh37 (hg19) VCF-style: chr19-4095082-CA-C.
Other names: c.1046+303delT (NM_030662.3).
Identifiers: ClinVar variation 561918 (VCV000561918.1), dbSNP rs574248280, ClinGen allele CA304447408.

ClinVar aggregate classification (germline): Likely benign (1 of 4 stars; one submission).

Allele frequency attached by ClinVar (database versions not stated): gnomAD exomes 0.00093; gnomAD 0.00692 and 0.00753; TOPMed 0.00745; 1000 Genomes Project 0.00779; 1000 Genomes Project 30x 0.00796.

Submission:

GeneDx
Classification: Likely benign. Last evaluated: 2018-06-14. Review status: criteria provided, single submitter. Criteria: GeneDx Variant Classification (06012015). Collection method: clinical testing. Allele origin: germline. Affected: yes.
Comment: This variant is considered likely benign or benign based on one or more of the following criteria: it is a conservative change, it occurs at a poorly conserved position in the protein, it is predicted to be benign by multiple in silico algorithms, and/or has population frequency not consistent with disease.